The following is an entry in ClinVar:

NM_001006630.2(CHRM2):c.-46-187G>T

Genes: CHRM2 (cholinergic receptor muscarinic 2; plus strand), LOC349160 (uncharacterized LOC349160; minus strand). Cytogenetic location: 7q33.
Variant type: single nucleotide variant.
Coding change: c.-46-187G>T on transcript NM_001006630.2 (MANE Select); 187 bases into the intron before 46 bases upstream of the start codon, G replaced by T.
Molecular consequence: intron variant.
Genome position (GRCh38, 1-based): chr7:137,014,633, G>T. VCF-style: chr7-137014633-G-T. GRCh37 (hg19) VCF-style: chr7-136699380-G-T.
Other names: c.-46-187G>T (NM_001378972.1, NM_001006627.3, NM_001006626.3 and 6 more transcripts).
Identifiers: ClinVar variation 679087 (VCV000679087.1), dbSNP rs17168888, ClinGen allele CA167698510.

ClinVar aggregate classification (germline): Likely benign (1 of 4 stars; one submission).

Allele frequency attached by ClinVar (database versions not stated): 1000 Genomes Project 30x 0.01156; 1000 Genomes Project 0.01338; TOPMed 0.02572.
gnomAD v4.1: 3,822 of 151,968 alleles (2.5%); highest among the groups gnomAD compares: Middle Eastern, 5.8%; 59 homozygotes.

Submission:

GeneDx
Classification: Likely benign. Last evaluated: 2018-06-14. Review status: criteria provided, single submitter. Criteria: GeneDx Variant Classification (06012015). Collection method: clinical testing. Allele origin: germline. Affected: yes.
Comment: This variant is considered likely benign or benign based on one or more of the following criteria: it is a conservative change, it occurs at a poorly conserved position in the protein, it is predicted to be benign by multiple in silico algorithms, and/or has population frequency not consistent with disease.